The following is an entry in ClinVar:

NM_000081.4(LYST):c.9827_9832del (p.Asn3276_Thr3277del)

Gene: LYST (lysosomal trafficking regulator; minus strand). Cytogenetic location: 1q42.3.
Variant type: Deletion.
Coding change: c.9827_9832del on transcript NM_000081.4 (MANE Select); coding-DNA positions 9827 to 9832, 6 bases deleted (ATACAA; older notation c.9827_9832delATACAA).
Protein change: p.Asn3276_Thr3277del.
Molecular consequence: inframe deletion.
Genome position (GRCh38, 1-based): chr1:235,712,150-235,712,155, TTGTAT deleted on the plus strand (ATACAA on the coding strand, the reverse complement: LYST is on the minus strand); deleting any 6 consecutive bases within chr1:235,712,150-235,712,160 gives the same sequence; the c. name uses the placement nearest the transcript's 3' end. VCF-style (leftmost placement, unchanged base first): chr1-235712149-GTTGTAT-G. GRCh37 (hg19) VCF-style: chr1-235875449-GTTGTAT-G.
Other names: c.9827_9832del, p.Asn3276_Thr3277del (NM_001301365.1).
Identifiers: ClinVar variation 180629 (VCV000180629.7), dbSNP rs797044540, ClinGen allele CA347113.

ClinVar aggregate classification (germline): Likely pathogenic. Review status: criteria provided, single submitter (1 of 4 stars). 2 submissions from 2 submitters: Likely pathogenic (1). 1 of the submissions does not count toward it. Last evaluated 2023-05-16.

Conditions:
Chédiak-Higashi syndrome (CHS). Also called: Chediak-Higashi Syndrome. Identifiers: Orphanet 167, MedGen C0007965, MONDO:0008963, OMIM 214500.

Submissions (2):

Labcorp Genetics (formerly Invitae), Labcorp
Classification: Likely pathogenic for Chédiak-Higashi syndrome. Last evaluated: 2023-05-16. Review status: criteria provided, single submitter. Criteria: Invitae Variant Classification Sherloc (09022015). Collection method: clinical testing. Allele origin: germline.
Comment: In summary, the currently available evidence indicates that the variant is pathogenic, but additional data are needed to prove that conclusively. Therefore, this variant has been classified as Likely Pathogenic. ClinVar contains an entry for this variant (Variation ID: 180629). This variant has been observed in individual(s) with Chediak-Higashi syndrome (PMID: 23521865). It has also been observed to segregate with disease in related individuals. This variant is not present in population databases (gnomAD no frequency). This variant, c.9827_9832del, results in the deletion of 2 amino acid(s) of the LYST protein (p.Asn3276_Thr3277del), but otherwise preserves the integrity of the reading frame.

GeneReviews
No classification provided. Condition: Chédiak-Higashi syndrome. Review status: no classification provided. Collection method: literature only. Allele origin: germline. Not counted in ClinVar's aggregate classification.

Literature cited by the submitters: PubMed 23521865 (cited by Labcorp Genetics (formerly Invitae), Labcorp).